The following is an entry in ClinVar:

NM_001701.4(BAAT):c.121G>A (p.Gly41Arg)

Gene: BAAT (bile acid-CoA:amino acid N-acyltransferase; minus strand). Cytogenetic location: 9q31.1.
Variant type: single nucleotide variant.
Coding change: c.121G>A on transcript NM_001701.4 (MANE Select); coding-DNA position 121, G replaced by A.
Protein change: p.Gly41Arg; replaces glycine 41 with arginine.
Molecular consequence: missense variant.
Genome position (GRCh38, 1-based): chr9:101,371,284, C>T on the plus strand (G>A on the coding strand, the complement: BAAT is on the minus strand). VCF-style: chr9-101371284-C-T. GRCh37 (hg19) VCF-style: chr9-104133566-C-T.
Other names: c.121G>A, p.Gly41Arg (NM_001127610.2, NM_001374715.1); c.121G>A (NM_001701.3); short protein forms G41R.
Identifiers: ClinVar variation 595625 (VCV000595625.6), dbSNP rs138929107, ClinGen allele CA5160781.

ClinVar aggregate classification (germline): Uncertain significance. Review status: criteria provided, multiple submitters, no conflicts (2 of 4 stars). 2 submissions from 2 submitters: Uncertain significance (2). Last evaluated 2023-02-22.

Conditions:
BAAT-related disorder. Also called: BAAT-related condition.

Allele frequency attached by ClinVar (database versions not stated): gnomAD exomes 0.00001 and 0.00002; ExAC 0.00002; gnomAD 0.00002; TOPMed 0.00003; ESP Exome Variant Server 0.00015.

Submissions (2):

PreventionGenetics, part of Exact Sciences
Classification: Uncertain significance for BAAT-related condition. Last evaluated: 2023-02-22. Review status: criteria provided, single submitter. Criteria: ACMG Guidelines, 2015. Collection method: clinical testing. Allele origin: germline.
Comment: The BAAT c.121G>A variant is predicted to result in the amino acid substitution p.Gly41Arg. To our knowledge, this variant has not been reported in the literature. This variant is reported in 0.0039% of alleles in individuals of European (Non-Finnish) descent in gnomAD. At this time, the clinical significance of this variant is uncertain due to the absence of conclusive functional and genetic evidence.

Eurofins Ntd Llc (ga)
Classification: Uncertain significance. Last evaluated: 2017-12-28. Review status: criteria provided, single submitter. Criteria: EGL Classification Definitions 2015. Collection method: clinical testing. Allele origin: germline. Observed: 1 variant allele, 1 heterozygote.